The following is an entry in ClinVar:

ClinVar aggregate classification (germline): Conflicting classifications of pathogenicity. Review status: criteria provided, conflicting classifications (1 of 4 stars). 3 submissions from 3 submitters: Uncertain significance (2); Likely benign (1). Last evaluated 2025-08-17.

Conditions:
Tuberous sclerosis 1 (TSC1). Identifiers: Orphanet 805, MedGen C1854465, MONDO:0008612, OMIM 191100.
Tuberous sclerosis syndrome (TSC). Also called: Tuberous Sclerosis Complex; Tuberous sclerosis. Identifiers: Orphanet 805, MedGen C0041341, MONDO:0001734.
Hereditary cancer-predisposing syndrome. Also called: Hereditary neoplastic syndrome; Neoplastic Syndromes, Hereditary; Tumor predisposition; Hereditary Cancer Syndrome. Identifiers: Orphanet 140162, MedGen C0027672, MeSH D009386, MONDO:0015356.

Allele frequency attached by ClinVar (database versions not stated): gnomAD exomes below 0.00001; ExAC 0.00001.
gnomAD v4.1: 1 of 1,613,866 alleles (0.000062%); highest among the groups gnomAD compares: Non-Finnish European, 0.000085%; no homozygotes.

Submissions (3):

Color Diagnostics, LLC DBA Color Health
Classification: Uncertain significance for Tuberous sclerosis syndrome. Last evaluated: 2025-08-17. Review status: criteria provided, single submitter. Criteria: ACMG Guidelines, 2015. Collection method: clinical testing. Allele origin: germline.
Comment: This missense variant replaces glycine with arginine at codon 1031 of the TSC1 protein. Computational prediction suggests that this variant may not impact protein structure and function. To our knowledge, functional studies have not been reported for this variant. This variant has not been reported in individuals affected with TSC1-related disorders in the literature. This variant has been identified in 1/249532 chromosomes in the general population by the Genome Aggregation Database (gnomAD). The available evidence is insufficient to determine the role of this variant in disease conclusively. Therefore, this variant is classified as a Variant of Uncertain Significance.

Labcorp Genetics (formerly Invitae), Labcorp
Classification: Uncertain significance for Tuberous sclerosis 1. Last evaluated: 2024-09-25. Review status: criteria provided, single submitter. Criteria: Invitae Variant Classification Sherloc (09022015). Collection method: clinical testing. Allele origin: germline.
Comment: This sequence change replaces glycine, which is neutral and non-polar, with arginine, which is basic and polar, at codon 1031 of the TSC1 protein (p.Gly1031Arg). This variant is present in population databases (rs772043928, gnomAD 0.0009%). This variant has not been reported in the literature in individuals affected with TSC1-related conditions. ClinVar contains an entry for this variant (Variation ID: 411206). An algorithm developed to predict the effect of missense changes on protein structure and function (PolyPhen-2) suggests that this variant is likely to be disruptive. In summary, the available evidence is currently insufficient to determine the role of this variant in disease. Therefore, it has been classified as a Variant of Uncertain Significance.

Ambry Genetics
Classification: Likely benign for Hereditary cancer-predisposing syndrome. Last evaluated: 2023-05-04. Review status: criteria provided, single submitter. Criteria: Ambry Variant Classification Scheme 2023. Collection method: clinical testing. Allele origin: germline.

NM_000368.5(TSC1):c.3091G>A (p.Gly1031Arg)

Gene: TSC1 (TSC complex subunit 1; minus strand). Cytogenetic location: 9q34.13.
Variant type: single nucleotide variant.
Coding change: c.3091G>A on transcript NM_000368.5 (MANE Select); coding-DNA position 3091, G replaced by A.
Protein change: p.Gly1031Arg; replaces glycine 1031 with arginine.
Molecular consequence: missense variant.
Genome position (GRCh38, 1-based): chr9:132,896,639, C>T on the plus strand (G>A on the coding strand, the complement: TSC1 is on the minus strand). VCF-style: chr9-132896639-C-T. GRCh37 (hg19) VCF-style: chr9-135772026-C-T.
Other names: c.3088G>A, p.Gly1030Arg (NM_001162426.2); c.2938G>A, p.Gly980Arg (NM_001162427.2); c.2728G>A, p.Gly910Arg (NM_001362177.2); short protein forms G1031R, G1030R, G910R, G980R.
Identifiers: ClinVar variation 411206 (VCV000411206.12), dbSNP rs772043928, ClinGen allele CA035781.